The following is an entry in ClinVar:

NM_000138.5(FBN1):c.4598A>G (p.Asn1533Ser)

Gene: FBN1 (fibrillin 1; minus strand). Cytogenetic location: 15q21.1.
Variant type: single nucleotide variant.
Coding change: c.4598A>G on transcript NM_000138.5 (MANE Select); coding-DNA position 4598, A replaced by G.
Protein change: p.Asn1533Ser; replaces asparagine 1533 with serine.
Molecular consequence: missense variant.
Genome position (GRCh38, 1-based): chr15:48,468,087, T>C on the plus strand (A>G on the coding strand, the complement: FBN1 is on the minus strand). VCF-style: chr15-48468087-T-C. GRCh37 (hg19) VCF-style: chr15-48760284-T-C.
Other names: short protein forms N1533S.
Identifiers: ClinVar variation 926574 (VCV000926574.16), dbSNP rs1254024310, ClinGen allele CA392353160.

ClinVar aggregate classification (germline): Conflicting classifications of pathogenicity. Review status: criteria provided, conflicting classifications (1 of 4 stars). 5 submissions from 5 submitters: Uncertain significance (4); Likely benign (1). Last evaluated 2026-03-30.

Conditions:
Familial thoracic aortic aneurysm and aortic dissection (TAAD). Also called: Thoracic aortic aneurysms and dissections. Identifiers: Orphanet 91387, MedGen C4707243, MONDO:0019625.
Marfan syndrome (MFS). Also called: Marfan syndrome, classic; Marfan syndrome type 1; Marfan's syndrome; FBN1-Related Marfan Syndrome; MARFAN SYNDROME, TYPE I. Identifiers: Orphanet 284963, Orphanet 558, MedGen C0024796, MONDO:0007947, OMIM 154700.

Allele frequency attached by ClinVar (database versions not stated): gnomAD exomes below 0.00001; TOPMed 0.00001; gnomAD 0.00001.
gnomAD v4.1: 5 of 1,614,008 alleles (0.00031%); highest among the groups gnomAD compares: Non-Finnish European, 0.00042%; no homozygotes.

Submissions (5):

Ambry Genetics
Classification: Uncertain significance for Familial thoracic aortic aneurysm and aortic dissection. Last evaluated: 2026-03-30. Review status: criteria provided, single submitter. Criteria: Ambry Variant Classification Scheme 2023. Collection method: clinical testing. Allele origin: germline.
Comment: The p.N1533S variant (also known as c.4598A>G), located in coding exon 37 of the FBN1 gene, results from an A to G substitution at nucleotide position 4598. The asparagine at codon 1533 is replaced by serine, an amino acid with highly similar properties. This amino acid position is conserved. In addition, this alteration is predicted to be tolerated by in silico analysis. Based on the available evidence, the clinical significance of this variant remains unclear.

Labcorp Genetics (formerly Invitae), Labcorp
Classification: Likely benign for Marfan syndrome; Familial thoracic aortic aneurysm and aortic dissection. Last evaluated: 2025-10-29. Review status: criteria provided, single submitter. Criteria: Invitae Variant Classification Sherloc (09022015). Collection method: clinical testing. Allele origin: germline.

Color Diagnostics, LLC DBA Color Health
Classification: Uncertain significance for Familial thoracic aortic aneurysm and aortic dissection. Last evaluated: 2024-03-06. Review status: criteria provided, single submitter. Criteria: ACMG Guidelines, 2015. Collection method: clinical testing. Allele origin: germline.
Comment: This missense variant replaces asparagine with serine at codon 1533 of the FBN1 protein. Computational prediction suggests that this variant may not impact protein structure and function (internally defined REVEL score threshold <= 0.5, PMID: 27666373). To our knowledge, functional studies have not been reported for this variant. This variant has not been reported in individuals affected with FBN1-related disorders in the literature. This variant has been identified in 2/282372 chromosomes in the general population by the Genome Aggregation Database (gnomAD). The available evidence is insufficient to determine the role of this variant in disease conclusively. Therefore, this variant is classified as a Variant of Uncertain Significance.

All of Us Research Program, National Institutes of Health
Classification: Uncertain significance for Marfan syndrome. Last evaluated: 2023-09-17. Review status: criteria provided, single submitter. Criteria: ACMG Guidelines, 2015. Collection method: clinical testing. Allele origin: germline. Inheritance: Autosomal dominant inheritance. Observed: 3 variant alleles, 3 heterozygotes.
Comment: Variant of Uncertain Significance due to insufficient evidence: This missense variant is located in the TGFbeta-like domain 6 of the FBN1 protein. Computational prediction tools and conservation analyses are inconclusive regarding the impact of this variant on the protein function. Computational splicing tools suggest that this variant may not impact RNA splicing. To our knowledge, functional assays have not been performed for this variant nor has this variant been reported in individuals affected with cardiovascular disorders in the literature. This variant has been identified in 2/276688 chromosomes in the general population by the Genome Aggregation Database (gnomAD). Available evidence is insufficient to determine the pathogenicity of this variant conclusively.

This study involves interpretation of variants in research participants for the purpose of population health screening. Participant phenotype was not available at the time of variant classification. Additional details can be found in publication PMID: 35346344, PMCID: PMC8962531

GeneDx
Classification: Uncertain significance. Last evaluated: 2022-12-08. Review status: criteria provided, single submitter. Criteria: GeneDx Variant Classification Process June 2021. Collection method: clinical testing. Allele origin: germline. Affected: yes.
Comment: Has not been previously published as pathogenic or benign to our knowledge; Not observed at significant frequency in large population cohorts (gnomAD); In silico analysis supports that this missense variant has a deleterious effect on protein structure/function; Does not affect a cysteine residue within a calcium-binding EGF-like domain of the FBN1 gene; cysteine substitutions in the calcium-binding EGF-like domains represent the majority of pathogenic missense changes associated with FBN1-related disorders (Collod-Beroud et al., 2003); This variant is associated with the following publications: (PMID: 12938084)